The following is an entry in ClinVar:

ClinVar aggregate classification (germline): Likely benign. Review status: criteria provided, multiple submitters, no conflicts (2 of 4 stars). 2 submissions from 2 submitters: Likely benign (2). Last evaluated 2026-01-01.

Allele frequency attached by ClinVar (database versions not stated): TOPMed below 0.00001; gnomAD 0.00001; gnomAD exomes 0.00004; ExAC 0.00012.
gnomAD v4.1: 60 of 1,565,014 alleles (0.0038%); highest among the groups gnomAD compares: South Asian, 0.069%; no homozygotes.

Submissions (2):

CeGaT Center for Human Genetics Tuebingen
Classification: Likely benign. Last evaluated: 2026-01-01. Review status: criteria provided, single submitter. Criteria: CeGaT Center For Human Genetics Tuebingen Variant Classification Criteria Version 2. Collection method: clinical testing. Allele origin: germline. Affected: yes. Observed: 1 variant allele.
Comment: DMXL2: BP4, BP7

Labcorp Genetics (formerly Invitae), Labcorp
Classification: Likely benign. Last evaluated: 2025-04-23. Review status: criteria provided, single submitter. Criteria: Invitae Variant Classification Sherloc (09022015). Collection method: clinical testing. Allele origin: germline.

NM_001378457.1(DMXL2):c.2625A>C (p.Ile875=)

Gene: DMXL2 (Dmx like 2; minus strand). Cytogenetic location: 15q21.2.
Variant type: single nucleotide variant.
Coding change: c.2625A>C on transcript NM_001378457.1 (MANE Select); coding-DNA position 2625, A replaced by C.
Protein change: p.Ile875=; no amino-acid change (isoleucine 875 retained).
Molecular consequence: synonymous variant. On other transcripts: non-coding transcript variant (2).
Genome position (GRCh38, 1-based): chr15:51,514,461, T>G on the plus strand (A>C on the coding strand, the complement: DMXL2 is on the minus strand). VCF-style: chr15-51514461-T-G. GRCh37 (hg19) VCF-style: chr15-51806658-T-G.
Other names: c.2625A>C, p.Ile875= (NM_001174116.3, NM_001174117.3, NM_001378458.1 and 6 more transcripts); c.2385A>C, p.Ile795= (NM_001378464.1).
Identifiers: ClinVar variation 2184398 (VCV002184398.8), dbSNP rs762705906, ClinGen allele CA7562320.